The following is an entry in ClinVar:

NM_006904.7(PRKDC):c.11843C>G (p.Ser3948Cys)

Gene: PRKDC (protein kinase, DNA-activated, catalytic subunit; minus strand). Cytogenetic location: 8q11.21.
Variant type: single nucleotide variant.
Coding change: c.11843C>G on transcript NM_006904.7 (MANE Select); coding-DNA position 11843, C replaced by G.
Protein change: p.Ser3948Cys; replaces serine 3948 with cysteine.
Molecular consequence: missense variant.
Genome position (GRCh38, 1-based): chr8:47,778,469, G>C on the plus strand (C>G on the coding strand, the complement: PRKDC is on the minus strand). VCF-style: chr8-47778469-G-C. GRCh37 (hg19) VCF-style: chr8-48691030-G-C.
Other names: c.11750C>G, p.Ser3917Cys (NM_001081640.2); short protein forms S3917C, S3948C.
Identifiers: ClinVar variation 2497389 (VCV002497389.2), dbSNP rs2551859864, ClinGen allele CA371128442.

ClinVar aggregate classification (germline): Uncertain significance (1 of 4 stars; one submission).

Submission:

Ambry Genetics
Classification: Uncertain significance. Last evaluated: 2022-11-10. Review status: criteria provided, single submitter. Criteria: Ambry Variant Classification Scheme 2023. Collection method: clinical testing. Allele origin: germline.
Comment: The p.S3948C variant (also known as c.11843C>G), located in coding exon 83 of the PRKDC gene, results from a C to G substitution at nucleotide position 11843. The serine at codon 3948 is replaced by cysteine, an amino acid with dissimilar properties. This amino acid position is conserved. Since supporting evidence is limited at this time, the clinical significance of this alteration remains unclear.